The following is an entry in ClinVar:

NM_024596.5(MCPH1):c.630_631del (p.Cys210_Glu211delinsTer)

Gene: MCPH1 (microcephalin 1; plus strand). Cytogenetic location: 8p23.1.
Variant type: Microsatellite.
Coding change: c.630_631del on transcript NM_024596.5 (MANE Select); coding-DNA positions 630 to 631, 2 bases deleted (TG; older notation c.630_631delTG).
Protein change: p.Cys210_Glu211delinsTer.
Molecular consequence: nonsense. On other transcripts: non-coding transcript variant (1).
Genome position (GRCh38, 1-based): chr8:6,442,116-6,442,117, TG deleted; deleting any 2 consecutive bases within chr8:6,442,112-6,442,117 gives the same sequence; the c. name uses the placement nearest the transcript's 3' end. VCF-style (leftmost placement, unchanged base first): chr8-6442111-CTG-C. GRCh37 (hg19) VCF-style: chr8-6299632-CTG-C.
Other names: c.630_631del, p.Cys210_Glu211delinsTer (NM_001172574.2, NM_001322042.2, NM_001363979.1 and 3 more transcripts); c.486_487del, p.Cys162_Glu163delinsTer (NM_001172575.2); c.624_625del, p.Cys208_Glu209delinsTer (NM_001322043.2); c.528_529del, p.Cys176_Glu177delinsTer (NM_001322045.2).
Identifiers: ClinVar variation 2785730 (VCV002785730.3), dbSNP rs2486105368, ClinGen allele CA2686004880.
Genomic context (GRCh38, chr8:6,442,111, plus strand): 5'-TTGGTCCTGTTTTTAGCTTCCCAAATGATTCAGCAGTCTCATGATAATCCAAGTAACTCT[CTG>C]TGTGAAGCACCTTTGAACATTTCACGTGATACTTTGTGTTCAGGTAAAATTTTTATTTTC-3'

ClinVar aggregate classification (germline): Pathogenic (1 of 4 stars; one submission).

Submission:

Labcorp Genetics (formerly Invitae), Labcorp
Classification: Pathogenic. Last evaluated: 2024-01-27. Review status: criteria provided, single submitter. Criteria: Invitae Variant Classification Sherloc (09022015). Collection method: clinical testing. Allele origin: germline.
Comment: This sequence change creates a premature translational stop signal (p.Cys210*) in the MCPH1 gene. It is expected to result in an absent or disrupted protein product. Loss-of-function variants in MCPH1 are known to be pathogenic (PMID: 20978018). This variant is not present in population databases (gnomAD no frequency). This variant has not been reported in the literature in individuals affected with MCPH1-related conditions. Algorithms developed to predict the effect of sequence changes on RNA splicing suggest that this variant may disrupt the consensus splice site. For these reasons, this variant has been classified as Pathogenic.

Literature cited by the submitters: PubMed 20978018.